The following is an entry in ClinVar:

NM_003072.5(SMARCA4):c.2602C>T (p.His868Tyr)

Gene: SMARCA4 (SWI/SNF related BAF chromatin remodeling complex subunit ATPase 4; plus strand). Cytogenetic location: 19p13.2.
Variant type: single nucleotide variant.
Coding change: c.2602C>T on transcript NM_003072.5 (MANE Select); coding-DNA position 2602, C replaced by T.
Protein change: p.His868Tyr; replaces histidine 868 with tyrosine.
Molecular consequence: missense variant. On other transcripts: non-coding transcript variant (1).
Genome position (GRCh38, 1-based): chr19:11,019,687, C>T. VCF-style: chr19-11019687-C-T. GRCh37 (hg19) VCF-style: chr19-11130363-C-T.
Other names: c.2602C>T, p.His868Tyr (NM_001128844.3, NM_001128845.2, NM_001128846.2 and 4 more transcripts); short protein forms H868Y.
Identifiers: ClinVar variation 821555 (VCV000821555.4), dbSNP rs1600258559, ClinGen allele CA404054765.

ClinVar aggregate classification (germline): Uncertain significance (1 of 4 stars; one submission).

Conditions:
Hereditary cancer-predisposing syndrome. Also called: Tumor predisposition; Hereditary Cancer Syndrome; Neoplastic Syndromes, Hereditary; Hereditary neoplastic syndrome. Identifiers: Orphanet 140162, MedGen C0027672, MeSH D009386, MONDO:0015356.

Submission:

Ambry Genetics
Classification: Uncertain significance for Hereditary cancer-predisposing syndrome. Last evaluated: 2019-06-12. Review status: criteria provided, single submitter. Criteria: Ambry Variant Classification Scheme 2023. Collection method: clinical testing. Allele origin: germline.
Comment: The p.H868Y variant (also known as c.2602C>T), located in coding exon 17 of the SMARCA4 gene, results from a C to T substitution at nucleotide position 2602. The histidine at codon 868 is replaced by tyrosine, an amino acid with similar properties. This amino acid position is not well conserved in available vertebrate species. In addition, the in silico prediction for this alteration is inconclusive. Since supporting evidence is limited at this time, the clinical significance of this alteration remains unclear.